The following is an entry in ClinVar:

ClinVar aggregate classification (germline): Likely benign. Review status: criteria provided, multiple submitters, no conflicts (2 of 4 stars). 2 submissions from 2 submitters: Likely benign (2). Last evaluated 2025-12-14.

Conditions:
Immunodeficiency. Identifiers: MedGen C0021051, MONDO:0021094, HP:0002721.

Allele frequency attached by ClinVar (database versions not stated): TOPMed 0.00003; gnomAD 0.00005; gnomAD exomes 0.00005; ExAC 0.00006.
gnomAD v4.1: 79 of 1,612,510 alleles (0.0049%); highest among the groups gnomAD compares: East Asian, 0.018%; no homozygotes.

Submissions (2):

Labcorp Genetics (formerly Invitae), Labcorp
Classification: Likely benign for Immunodeficiency. Last evaluated: 2025-12-14. Review status: criteria provided, single submitter. Criteria: Invitae Variant Classification Sherloc (09022015). Collection method: clinical testing. Allele origin: germline.

CeGaT Center for Human Genetics Tuebingen
Classification: Likely benign. Last evaluated: 2022-08-01. Review status: criteria provided, single submitter. Criteria: CeGaT Center For Human Genetics Tuebingen Variant Classification Criteria Version 2. Collection method: clinical testing. Allele origin: germline. Affected: yes. Observed: 1 variant allele.
Comment: NFAT5: BP4, BP7

NM_138713.4(NFAT5):c.1206C>T (p.Cys402=)

Gene: NFAT5 (nuclear factor of activated T cells 5; plus strand). Cytogenetic location: 16q22.1.
Variant type: single nucleotide variant.
Coding change: c.1206C>T on transcript NM_138713.4 (MANE Select); coding-DNA position 1206, C replaced by T.
Protein change: p.Cys402=; no amino-acid change (cysteine 402 retained).
Molecular consequence: synonymous variant.
Genome position (GRCh38, 1-based): chr16:69,659,736, C>T. VCF-style: chr16-69659736-C-T. GRCh37 (hg19) VCF-style: chr16-69693639-C-T.
Other names: c.1206C>T, p.Cys402= (NM_001113178.3); c.534C>T, p.Cys178= (NM_001367709.1); c.1152C>T, p.Cys384= (NM_006599.4); c.924C>T, p.Cys308= (NM_138714.4, NM_173214.3, NM_173215.3).
Identifiers: ClinVar variation 1161648 (VCV001161648.32), dbSNP rs759542459, ClinGen allele CA8135497.